The following is an entry in ClinVar:

NM_201596.3(CACNB2):c.593+4T>C

Gene: CACNB2 (calcium voltage-gated channel auxiliary subunit beta 2; plus strand). Cytogenetic location: 10p12.31.
Variant type: single nucleotide variant.
Coding change: c.593+4T>C on transcript NM_201596.3 (MANE Select); 4 bases into the intron after coding-DNA position 593, T replaced by C.
Molecular consequence: intron variant.
Genome position (GRCh38, 1-based): chr10:18,500,952, T>C. VCF-style: chr10-18500952-T-C. GRCh37 (hg19) VCF-style: chr10-18789881-T-C.
Other names: c.509+4T>C (NM_201571.4, NM_001167945.2, NM_201572.4); c.593+4T>C (NM_201593.3, NM_201597.3); c.428+4T>C (NM_000724.4, NM_001330060.2); c.431+4T>C (NM_201590.3); c.449+4T>C (NM_201570.3, NM_001410882.1).
Identifiers: ClinVar variation 2812090 (VCV002812090.3), dbSNP rs755435894, ClinGen allele CA5429654.

ClinVar aggregate classification (germline): Uncertain significance (1 of 4 stars; one submission).

Conditions:
Brugada syndrome 4 (BRGDA4). Identifiers: Orphanet 130, MedGen C2678477, MONDO:0012743, OMIM 611876.

Allele frequency attached by ClinVar (database versions not stated): gnomAD exomes below 0.00001; ExAC 0.00001; TOPMed 0.00001.
gnomAD v4.1: 4 of 1,613,302 alleles (0.00025%); highest among the groups gnomAD compares: Non-Finnish European, 0.00034%; no homozygotes.

Submission:

Labcorp Genetics (formerly Invitae), Labcorp
Classification: Uncertain significance for Brugada syndrome 4. Last evaluated: 2023-09-06. Review status: criteria provided, single submitter. Criteria: Invitae Variant Classification Sherloc (09022015). Collection method: clinical testing. Allele origin: germline.
Comment: In summary, the available evidence is currently insufficient to determine the role of this variant in disease. Therefore, it has been classified as a Variant of Uncertain Significance. Variants that disrupt the consensus splice site are a relatively common cause of aberrant splicing (PMID: 17576681, 9536098). Algorithms developed to predict the effect of sequence changes on RNA splicing suggest that this variant is not likely to affect RNA splicing. This variant has not been reported in the literature in individuals affected with CACNB2-related conditions. This variant is present in population databases (rs755435894, gnomAD 0.0009%). This sequence change falls in intron 4 of the CACNB2 gene. It does not directly change the encoded amino acid sequence of the CACNB2 protein. It affects a nucleotide within the consensus splice site.

Literature cited by the submitters: PubMed 17576681; PubMed 9536098.